The following is an entry in ClinVar:

ClinVar aggregate classification (germline): Likely pathogenic. Review status: criteria provided, multiple submitters, no conflicts (2 of 4 stars). 3 submissions from 3 submitters: Likely pathogenic (3). Last evaluated 2025-12-16.

Conditions:
Very long chain acyl-CoA dehydrogenase deficiency (ACADVLD). Also called: VLCAD Deficiency; Very Long-Chain Acyl-Coenzyme A Dehydrogenase Deficiency. Identifiers: Orphanet 26793, MedGen C3887523, MONDO:0008723, OMIM 201475.

gnomAD v4.1: 11 of 1,613,356 alleles (0.00068%); highest among the groups gnomAD compares: Non-Finnish European, 0.00093%; no homozygotes.

Submissions (3):

Women's Health and Genetics/Laboratory Corporation of America, LabCorp
Classification: Likely pathogenic for Very long chain acyl-CoA dehydrogenase deficiency. Last evaluated: 2025-12-16. Review status: criteria provided, single submitter. Criteria: LabCorp Variant Classification Summary - May 2015. Collection method: clinical testing. Allele origin: germline.
Comment: Variant summary: ACADVL c.477+1G>C is located in a canonical splice-site and is predicted to affect mRNA splicing resulting in a significantly altered protein due to either exon skipping, shortening, or inclusion of intronic material. Variants that disrupt the consensus splice site are a relatively common cause of aberrant splicing and loss of ACADVL function. Several computational tools predict a significant impact on normal splicing: Four predict the variant abolishes a 5' splicing donor site. However, these predictions have yet to be confirmed by functional studies. The variant was absent in 251054 control chromosomes. c.477+1G>C has been observed in individual(s) affected with Very Long Chain Acyl-CoA Dehydrogenase Deficiency. These report(s) do not provide unequivocal conclusions about association of the variant with Very Long Chain Acyl-CoA Dehydrogenase Deficiency (Hesse_2018). To our knowledge, no experimental evidence demonstrating an impact on protein function has been reported. The following publication have been ascertained in the context of this evaluation (PMID: 30194637). ClinVar contains an entry for this variant (Variation ID: 1348102). Based on the evidence outlined above, the variant was classified as likely pathogenic.

Baylor Genetics
Classification: Likely pathogenic for Very long chain acyl-CoA dehydrogenase deficiency. Last evaluated: 2023-10-12. Review status: criteria provided, single submitter. Criteria: ACMG Guidelines, 2015. Collection method: clinical testing. Allele origin: unknown.

Labcorp Genetics (formerly Invitae), Labcorp
Classification: Likely pathogenic for Very long chain acyl-CoA dehydrogenase deficiency. Last evaluated: 2021-02-25. Review status: criteria provided, single submitter. Criteria: Invitae Variant Classification Sherloc (09022015). Collection method: clinical testing. Allele origin: germline.
Comment: In summary, the currently available evidence indicates that the variant is pathogenic, but additional data are needed to prove that conclusively. Therefore, this variant has been classified as Likely Pathogenic. Algorithms developed to predict the effect of sequence changes on RNA splicing suggest that this variant may disrupt the consensus splice site, but this prediction has not been confirmed by published transcriptional studies. This variant has been observed in individual(s) with very long chain acyl-CoA dehydrogenase deficiency although a second variant is not observed (PMID: 30194637). This variant is not present in population databases (ExAC no frequency). This sequence change affects a donor splice site in intron 6 of the ACADVL gene. It is expected to disrupt RNA splicing. Variants that disrupt the donor or acceptor splice site typically lead to a loss of protein function (PMID: 16199547), and loss-of-function variants in ACADVL are known to be pathogenic (PMID: 9973285, 11590124).

Literature cited by the submitters: PubMed 30194637 (cited by Women's Health and Genetics/Laboratory Corporation of America, LabCorp and Labcorp Genetics (formerly Invitae), Labcorp); PubMed 16199547 (cited by Labcorp Genetics (formerly Invitae), Labcorp); PubMed 9973285 (cited by Labcorp Genetics (formerly Invitae), Labcorp); PubMed 11590124 (cited by Labcorp Genetics (formerly Invitae), Labcorp).

NM_000018.4(ACADVL):c.477+1G>C

Gene: ACADVL (acyl-CoA dehydrogenase very long chain; plus strand). Cytogenetic location: 17p13.1.
Variant type: single nucleotide variant.
Coding change: c.477+1G>C on transcript NM_000018.4 (MANE Select); the canonical splice donor site of the intron after coding-DNA position 477, G replaced by C.
Molecular consequence: splice donor variant.
Genome position (GRCh38, 1-based): chr17:7,221,059, G>C. VCF-style: chr17-7221059-G-C. GRCh37 (hg19) VCF-style: chr17-7124378-G-C.
Other names: c.546+1G>C (NM_001270447.2); c.249+1G>C (NM_001270448.2); c.411+1G>C (NM_001033859.3).
Identifiers: ClinVar variation 1348102 (VCV001348102.10), dbSNP rs2142969951, ClinGen allele CA397722984.